The following is an entry in ClinVar:

ClinVar aggregate classification (germline): Pathogenic. Review status: criteria provided, multiple submitters, no conflicts (2 of 4 stars). 7 submissions from 7 submitters: Pathogenic (6). 1 of the submissions does not count toward it. Last evaluated 2024-10-15.

Conditions:
Lamellar ichthyosis. Identifiers: Orphanet 313, MedGen C5848247, MONDO:0017778.
Autosomal recessive congenital ichthyosis 4A (LI2). Also called: ICHTHYOSIS CONGENITA IIB. Identifiers: Orphanet 313, MedGen C1832550, MONDO:0011026, OMIM 601277.
Autosomal recessive congenital ichthyosis 4B (ARCI4B). Also called: HARLEQUIN ICHTHYOSIS; Ichthyosis, congenital, autosomal recessive 4B (harlequin); ICHTHYOSIS CONGENITA, HARLEQUIN FETUS TYPE; Harlequin Fetus. Identifiers: Orphanet 457, MedGen C0598226, MONDO:0009443, OMIM 242500.

Allele frequency attached by ClinVar (database versions not stated): gnomAD 0.00001; TOPMed below 0.00001.
gnomAD v4.1: 20 of 1,613,598 alleles (0.0012%); highest among the groups gnomAD compares: Non-Finnish European, 0.0016%; no homozygotes.

Submissions (7):

3billion
Classification: Pathogenic for Autosomal recessive congenital ichthyosis 4A. Last evaluated: 2024-10-15. Review status: criteria provided, single submitter. Criteria: ACMG Guidelines, 2015. Collection method: clinical testing. Allele origin: germline. Affected: yes.
Comment: The variant is observed at an extremely low frequency in the gnomAD v4.1.0 dataset (total allele frequency: 0.001%). Predicted Consequence/Location: Stop-gained (nonsense): predicted to result in a loss or disruption of normal protein function through nonsense-mediated decay (NMD) or protein truncation. Multiple pathogenic variants are reported downstream of the variant. The variant has been reported at least twice as pathogenic with clinical assertions and evidence for the classification (ClinVar ID: VCV000002862 /PMID: 15756637, 30916489). Therefore, this variant is classified as Pathogenic according to the recommendation of ACMG/AMP guideline.

Labcorp Genetics (formerly Invitae), Labcorp
Classification: Pathogenic. Last evaluated: 2024-02-02. Review status: criteria provided, single submitter. Criteria: Invitae Variant Classification Sherloc (09022015). Collection method: clinical testing. Allele origin: germline.
Comment: This sequence change creates a premature translational stop signal (p.Arg2204*) in the ABCA12 gene. It is expected to result in an absent or disrupted protein product. Loss-of-function variants in ABCA12 are known to be pathogenic (PMID: 20672373). This variant is present in population databases (rs137853289, gnomAD 0.007%). This premature translational stop signal has been observed in individuals with autosomal recessive congenital ichthyosis (PMID: 15756637, 30916489, 32293521). ClinVar contains an entry for this variant (Variation ID: 2862). For these reasons, this variant has been classified as Pathogenic.

Women's Health and Genetics/Laboratory Corporation of America, LabCorp
Classification: Pathogenic for Lamellar ichthyosis. Last evaluated: 2023-06-20. Review status: criteria provided, single submitter. Criteria: LabCorp Variant Classification Summary - May 2015. Collection method: clinical testing. Allele origin: germline.
Comment: Variant summary: ABCA12 c.6610C>T (p.Arg2204X) results in a premature termination codon, predicted to cause a truncation of the encoded protein or absence of the protein due to nonsense mediated decay, which are commonly known mechanisms for disease. The variant was absent in 250986 control chromosomes (gnomAD v2.1, Exomes dataset). c.6610C>T has been reported in the literature in individuals affected with Lamellar Ichthyosis (e.g., Montalvan-Suarez_2019). These data suggest the variant is very likely to be associated with disease. The following publication was ascertained in the context of this evaluation (PMID: 30916489). Two submitters have reported clinical-significance assessments for this variant to ClinVar after 2014. Both submitters classified the variant as pathogenic. Based on the evidence outlined above, the variant was classified as pathogenic.

GeneDx
Classification: Pathogenic. Last evaluated: 2022-11-01. Review status: criteria provided, single submitter. Criteria: GeneDx Variant Classification Process June 2021. Collection method: clinical testing. Allele origin: germline. Affected: yes.
Comment: Nonsense variant predicted to result in protein truncation or nonsense mediated decay in a gene for which loss-of-function is a known mechanism of disease; Not observed at a significant frequency in large population cohorts (gnomAD); This variant is associated with the following publications: (PMID: 25525159, 32293521, 15756637, 30916489)

Breda Genetics srl
Classification: Pathogenic for Autosomal recessive congenital ichthyosis 4A. Last evaluated: 2020-05-06. Review status: criteria provided, single submitter. Criteria: ACMG Guidelines, 2015. Collection method: clinical testing. Allele origin: inherited. Inheritance: Autosomal recessive inheritance. Affected: yes. Observed: 1 variant allele, 1 compound heterozygote.
Comment: The variant c.6610C>T (p.Arg2204*) in the ABCA12 gene is reported as pathogenic for ichthyosis, congenital, autosomal recessive 4B in ClinVar (Variation ID: 2862) and as affects function in the Global Variome shared LOVD database v.3.0. The variant creates a premature stop codon at amino acid position Arg2204, which is likely to result in a truncated protein or protein loss due to nonsense-mediated messenger decay (NMD). The variant is reported with an estimated allele frequency of 0.00003198 in gnomAD genomes, with no homozygous individuals reported.

Neuberg Centre For Genomic Medicine, NCGM
Classification: Pathogenic for Autosomal recessive congenital ichthyosis 4B. Review status: criteria provided, single submitter. Criteria: ACMG Guidelines, 2015. Collection method: clinical testing. Allele origin: germline. Inheritance: Autosomal recessive inheritance. Affected: yes.
Comment: The c.6610C>T;(p.Arg2204Ter) variant creates a premature stop codon at amino acid position Arg2204, which is likely to result in a truncated protein or protein loss due to nonsense-mediated messenger decay (NMD). Recently, the variant c.6610C>T; It has been submitted to ClinVar as Pathogenic. The nucleotide change in ABCA12 is predicted as conserved by GERP++ and PhyloP. For these reasons, this variant has been classified as Pathogenic.

OMIM
Classification: Pathogenic for ICHTHYOSIS, CONGENITAL, AUTOSOMAL RECESSIVE 4B. Last evaluated: 2005-05-01. Review status: no assertion criteria provided. Collection method: literature only. Allele origin: germline. Not counted in ClinVar's aggregate classification.

Literature cited by the submitters: PubMed 15756637 (cited by 4 submitters); PubMed 20672373 (cited by Labcorp Genetics (formerly Invitae), Labcorp); PubMed 30916489 (cited by 3 submitters); PubMed 32293521 (cited by Labcorp Genetics (formerly Invitae), Labcorp).

NM_173076.3(ABCA12):c.6610C>T (p.Arg2204Ter)

Genes: ABCA12 (ATP binding cassette subfamily A member 12; minus strand), SNHG31 (small nucleolar RNA host gene 31; plus strand). Cytogenetic location: 2q35.
Variant type: single nucleotide variant.
Coding change: c.6610C>T on transcript NM_173076.3 (MANE Select); coding-DNA position 6610, C replaced by T.
Protein change: p.Arg2204Ter; replaces arginine 2204 with a stop codon.
Molecular consequence: nonsense. On other transcripts: non-coding transcript variant (1).
Genome position (GRCh38, 1-based): chr2:214,953,891, G>A on the plus strand (C>T on the coding strand, the complement: ABCA12 is on the minus strand). VCF-style: chr2-214953891-G-A. GRCh37 (hg19) VCF-style: chr2-215818615-G-A.
Other names: R2203*; c.5656C>T, p.Arg1886Ter (NM_015657.4); short protein forms R1886*, R2204*.
Identifiers: ClinVar variation 2862 (VCV000002862.11), dbSNP rs137853289, ClinGen allele CA252483.
Genomic context (GRCh38, chr2:214,953,891, plus strand): 5'-CGTTATGTTTTCATTATATTTACCTGAGTTTCTTTATCAGGGATTCGTTGATTAAGAGTC[G>A]CAAGGAAAAAAACATGGTGCCCTGAGAAACCAAAGCCACAAACATTGCACCTAGTTTATT-3'